The following is an entry in ClinVar:

ClinVar aggregate classification (germline): Pathogenic (1 of 4 stars; one submission).

Conditions:
Pseudohypoparathyroidism type I A (PHP1A). Also called: ALBRIGHT HEREDITARY OSTEODYSTROPHY WITH MULTIPLE HORMONE RESISTANCE; PHP IA; Pseudohypoparathyroidism Ia (PHP-Ia); Pseudohypoparathyroidism type 1A; Pseudohypoparathyroidism Type IA. Identifiers: Orphanet 79443, MedGen C3494506, MONDO:0007078, OMIM 103580.

Submission:

3billion
Classification: Pathogenic for Pseudohypoparathyroidism type I A. Review status: criteria provided, single submitter. Criteria: ACMG Guidelines, 2015. Collection method: clinical testing. Allele origin: unknown. Affected: yes. Observed: 1 heterozygote.
Comment: The variant is not observed in the gnomAD v2.1.1 dataset. The variant is predicted to result in a loss or disruption of normal protein function through nonsense-mediated decay (NMD) or protein truncation. Multiple pathogenic variants are reported downstream of the variant. The variant has been reported to be associated with GNAS related disorder (PMID: 25802881). Therefore, this variant is classified as Pathogenic according to the recommendation of ACMG/AMP guideline.

Literature cited by the submitters: PubMed 25802881.

NM_000516.7(GNAS):c.433G>T (p.Glu145Ter)

Gene: GNAS (GNAS complex locus; plus strand). Cytogenetic location: 20q13.32.
Variant type: single nucleotide variant.
Coding change: c.433G>T on transcript NM_000516.7 (MANE Select); coding-DNA position 433, G replaced by T.
Protein change: p.Glu145Ter; replaces glutamic acid 145 with a stop codon.
Molecular consequence: nonsense. On other transcripts: 3 prime UTR variant (2).
Genome position (GRCh38, 1-based): chr20:58,905,383, G>T. VCF-style: chr20-58905383-G-T. GRCh37 (hg19) VCF-style: chr20-57480438-G-T.
Other names: c.436G>T, p.Glu146Ter (NM_001077488.5); c.388G>T, p.Glu130Ter (NM_001077489.4); c.*294G>T (NM_001077490.3); c.256G>T, p.Glu86Ter (NM_001309840.2, NM_001309861.2); c.337G>T, p.Glu113Ter (NM_001410912.1); c.2317G>T, p.Glu773Ter (NM_001410913.1); c.*339G>T (NM_016592.5); c.2362G>T, p.Glu788Ter (NM_080425.4); and 1 more; short protein forms E113*, E130*, E131*, E145*, E146*, E773*, E788*, E86*.
Identifiers: ClinVar variation 2572462 (VCV002572462.1), dbSNP rs2146208325, ClinGen allele CA409451002.
Genomic context (GRCh38, chr20:58,905,383, plus strand): 5'-AGTGTTGTTGATTAGTTCAAGCTCTTGCCTTTCTCTAAACTTTCTTGTGTTCACTTTCAG[G>T]AATTCTATGAGCATGCCAAGGCTCTGTGGGAGGATGAAGGAGTGCGTGCCTGCTACGAAC-3'